The following is an entry in ClinVar:

ClinVar aggregate classification (germline): Benign (1 of 4 stars; one submission).

Allele frequency attached by ClinVar (database versions not stated): 1000 Genomes Project 30x 0.03248; 1000 Genomes Project 0.03315; gnomAD 0.02862; gnomAD exomes 0.02886; TOPMed 0.03535.
gnomAD v4.1: 11,635 of 398,070 alleles (2.9%); highest among the groups gnomAD compares: Admixed American, 13%; 345 homozygotes.

Submission:

Unidad de Genómica Garrahan, Hospital de Pediatría Garrahan
Classification: Benign. Last evaluated: 2024-07-15. Review status: criteria provided, single submitter. Criteria: ACMG Guidelines, 2015. Collection method: clinical testing. Allele origin: germline. Affected: no. Observed: 22 variant alleles.
Comment: This variant is classified as Benign based on local population frequency. This variant was detected in 24% of patients studied in a panel designed for Epileptic and Developmental Encephalopathy and Progressive Myoclonus Epilepsy. Number of patients: 22. Only high quality variants are reported.

NM_001134771.2(SLC12A5):c.121+1262C>T

Gene: SLC12A5 (solute carrier family 12 member 5; plus strand). Cytogenetic location: 20q13.12.
Variant type: single nucleotide variant.
Coding change: c.121+1262C>T on transcript NM_001134771.2; 1262 bases into the intron after coding-DNA position 121, C replaced by T.
Molecular consequence: intron variant.
Genome position (GRCh38, 1-based): chr20:46,023,148, C>T. VCF-style: chr20-46023148-C-T. GRCh37 (hg19) VCF-style: chr20-44651787-C-T.
Identifiers: ClinVar variation 3255309 (VCV003255309.2), dbSNP rs12479993.